The following is an entry in ClinVar:

NM_001041.4(SI):c.117T>C (p.Asp39=)

Gene: SI (sucrase-isomaltase; minus strand). Cytogenetic location: 3q26.1.
Variant type: single nucleotide variant.
Coding change: c.117T>C on transcript NM_001041.4 (MANE Select); coding-DNA position 117, T replaced by C.
Protein change: p.Asp39=; no amino-acid change (aspartic acid 39 retained).
Molecular consequence: synonymous variant.
Genome position (GRCh38, 1-based): chr3:165,075,896, A>G on the plus strand (T>C on the coding strand, the complement: SI is on the minus strand). VCF-style: chr3-165075896-A-G. GRCh37 (hg19) VCF-style: chr3-164793684-A-G.
Identifiers: ClinVar variation 1970504 (VCV001970504.5), dbSNP rs1714932696, ClinGen allele CA436702147.

ClinVar aggregate classification (germline): Uncertain significance (1 of 4 stars; one submission).

Allele frequency attached by ClinVar (database versions not stated): gnomAD exomes below 0.00001.
gnomAD v4.1: 1 of 1,537,478 alleles (0.000065%); highest among the groups gnomAD compares: Non-Finnish European, 0.00009%; no homozygotes.

Submission:

Labcorp Genetics (formerly Invitae), Labcorp
Classification: Uncertain significance. Last evaluated: 2022-03-28. Review status: criteria provided, single submitter. Criteria: Invitae Variant Classification Sherloc (09022015). Collection method: clinical testing. Allele origin: germline.
Comment: This variant is not present in population databases (gnomAD no frequency). In summary, the available evidence is currently insufficient to determine the role of this variant in disease. Therefore, it has been classified as a Variant of Uncertain Significance. Algorithms developed to predict the effect of sequence changes on RNA splicing suggest that this variant is not likely to affect RNA splicing. This variant has not been reported in the literature in individuals affected with SI-related conditions. This sequence change affects codon 39 of the SI mRNA. It is a 'silent' change, meaning that it does not change the encoded amino acid sequence of the SI protein. It affects a nucleotide within the consensus splice site.